The following is an entry in ClinVar:

ClinVar aggregate classification (germline): Uncertain significance (1 of 4 stars; one submission).

Allele frequency attached by ClinVar (database versions not stated): TOPMed below 0.00001.
gnomAD v4.1: 4 of 1,613,876 alleles (0.00025%); highest among the groups gnomAD compares: Non-Finnish European, 0.00034%; no homozygotes.

Submission:

Ambry Genetics
Classification: Uncertain significance. Last evaluated: 2021-10-19. Review status: criteria provided, single submitter. Criteria: Ambry Variant Classification Scheme 2023. Collection method: clinical testing. Allele origin: germline.
Comment: The p.C919F variant (also known as c.2756G>T), located in coding exon 22 of the A2ML1 gene, results from a G to T substitution at nucleotide position 2756. The cysteine at codon 919 is replaced by phenylalanine, an amino acid with highly dissimilar properties. This amino acid position is conserved. In addition, this alteration is predicted to be deleterious by in silico analysis. Since supporting evidence is limited at this time, the clinical significance of this alteration remains unclear.

NM_144670.6(A2ML1):c.2756G>T (p.Cys919Phe)

Gene: A2ML1 (alpha-2-macroglobulin like 1; plus strand). Cytogenetic location: 12p13.31.
Variant type: single nucleotide variant.
Coding change: c.2756G>T on transcript NM_144670.6 (MANE Select); coding-DNA position 2756, G replaced by T.
Protein change: p.Cys919Phe; replaces cysteine 919 with phenylalanine.
Molecular consequence: missense variant.
Genome position (GRCh38, 1-based): chr12:8,854,823, G>T. VCF-style: chr12-8854823-G-T. GRCh37 (hg19) VCF-style: chr12-9007419-G-T.
Other names: c.1283G>T, p.Cys428Phe (NM_001282424.3); short protein forms C919F, C428F.
Identifiers: ClinVar variation 1795611 (VCV001795611.2), dbSNP rs1944005952, ClinGen allele CA383835286.